The following is an entry in ClinVar:

ClinVar aggregate classification (germline): Likely benign (1 of 4 stars; one submission).

Allele frequency attached by ClinVar (database versions not stated): ExAC 0.00123; gnomAD 0.00248 and 0.00266; TOPMed 0.00287; 1000 Genomes Project 30x 0.00312; 1000 Genomes Project 0.00319; ESP Exome Variant Server 0.00357.

Submission:

GeneDx
Classification: Likely benign. Last evaluated: 2021-06-24. Review status: criteria provided, single submitter. Criteria: GeneDx Variant Classification Process June 2021. Collection method: clinical testing. Allele origin: germline. Affected: yes.
Comment: See Variant Classification Assertion Criteria.

NM_000786.4(CYP51A1):c.-49T>C

Gene: CYP51A1 (cytochrome P450 family 51 subfamily A member 1; minus strand). Cytogenetic location: 7q21.2.
Variant type: single nucleotide variant.
Coding change: c.-49T>C on transcript NM_000786.4 (MANE Select); 49 bases upstream of the start codon, T replaced by C.
Molecular consequence: 5 prime UTR variant. On other transcripts: intron variant (1).
Genome position (GRCh38, 1-based): chr7:92,134,413, A>G on the plus strand (T>C on the coding strand, the complement: CYP51A1 is on the minus strand). VCF-style: chr7-92134413-A-G. GRCh37 (hg19) VCF-style: chr7-91763727-A-G.
Other names: c.-124+253T>C (NM_001146152.2).
Identifiers: ClinVar variation 1691580 (VCV001691580.3), dbSNP rs369234200, ClinGen allele CA4338720.